The following is an entry in ClinVar:

ClinVar aggregate classification (germline): Pathogenic (1 of 4 stars; one submission).

Conditions:
Recurrent metabolic encephalomyopathic crises-rhabdomyolysis-cardiac arrhythmia-intellectual disability syndrome (MECRCN). Also called: TANGO2 Deficiency; Metabolic encephalomyopathic crises, recurrent, with rhabdomyolysis, cardiac arrhythmias, and neurodegeneration; METABOLIC CRISES, RECURRENT, WITH RHABDOMYOLYSIS, CARDIAC ARRHYTHMIAS, AND NEURODEGENERATION. Identifiers: Orphanet 480864, MedGen C5567524, MONDO:0018820, OMIM 616878.

Submission:

Victorian Clinical Genetics Services, Murdoch Childrens Research Institute
Classification: Pathogenic for Recurrent metabolic encephalomyopathic crises-rhabdomyolysis-cardiac arrhythmia-intellectual disability syndrome. Last evaluated: 2024-03-20. Review status: criteria provided, single submitter. Criteria: ACMG Guidelines, 2015. Collection method: clinical testing. Allele origin: germline. Affected: yes.
Comment: This variant is classified as Pathogenic. Evidence in support of pathogenic classification: Intragenic copy number variant resulting in the deletion of exons 3 to 9 (of 9) which is predicted to cause loss of function of the protein. Other intragenic CNVs and NMD-predicted variants comparable to the one identified in this case have strong previous evidence for pathogenicity. These variants have been reported as pathogenic, and observed in individuals with recurrent metabolic encephalomyopathic crises with rhabdomyolysis, cardiac arrhythmias, and neurodegeneration (DECIPHER, PMID: 30245509). This variant has strong previous evidence of pathogenicity in unrelated individuals. This variant has been reported as pathogenic, and observed in homozygous and compound heterozygous state in numerous individuals with recurrent muscle weakness, rhabdomyolysis, metabolic crisis and cardiac arrhythmia (ClinVar, VCGS, PMID: 30245509, PMID: 26805781, PMID: 26805782). Additional information: Loss of function is a known mechanism of disease in this gene and is associated with recurrent metabolic encephalomyopathic crises with rhabdomyolysis, cardiac arrhythmias, and neurodegeneration (MECRCN; MIM#616878). This gene is associated with autosomal recessive disease. This variant is homozygous. Variant is present in gnomAD (SV v2.1) <0.01 for a recessive condition (12 heterozygotes, 0 homozygotes). Inheritance information for this variant is not currently available in this individual.

NC_000022.11:g.20041486_20075431del

Gene: TANGO2 (transport and golgi organization 2 homolog; plus strand). Cytogenetic location: 22q11.21.
Variant type: Deletion.
Identifiers: ClinVar variation 4528934 (VCV004528934.1).